The following is an entry in ClinVar:

NM_001377.3(DYNC2H1):c.2929C>T (p.Gln977Ter)

Gene: DYNC2H1 (dynein cytoplasmic 2 heavy chain 1; plus strand). Cytogenetic location: 11q22.3.
Variant type: single nucleotide variant.
Coding change: c.2929C>T on transcript NM_001377.3 (MANE Select); coding-DNA position 2929, C replaced by T.
Protein change: p.Gln977Ter; replaces glutamine 977 with a stop codon.
Molecular consequence: nonsense.
Genome position (GRCh38, 1-based): chr11:103,148,600, C>T. VCF-style: chr11-103148600-C-T. GRCh37 (hg19) VCF-style: chr11-103019329-C-T.
Other names: c.2929C>T, p.Gln977Ter (NM_001080463.2); short protein forms Q977*.
Identifiers: ClinVar variation 5013883 (VCV005013883.1).

ClinVar aggregate classification (germline): Pathogenic (1 of 4 stars; one submission).

Conditions:
Asphyxiating thoracic dystrophy 3. Also called: Saldino-Noonan Syndrome; SHORT-RIB THORACIC DYSPLASIA 3 WITH OR WITHOUT POLYDACTYLY; POLYDACTYLY WITH NEONATAL CHONDRODYSTROPHY, TYPE I; SHORT-RIB THORACIC DYSPLASIA 3/6 WITH POLYDACTYLY, DIGENIC; Short rib polydactyly syndrome 2B. Identifiers: Orphanet 474, Orphanet 93269, Orphanet 93270, Orphanet 93271, MedGen C0036069, MONDO:0013127, OMIM 613091.

gnomAD v4.1: 4 of 1,566,932 alleles (0.00026%); highest among the groups gnomAD compares: Non-Finnish European, 0.00035%; no homozygotes.

Submission:

Myriad Genetics, Inc.
Classification: Pathogenic for Asphyxiating thoracic dystrophy 3. Last evaluated: 2024-12-22. Review status: criteria provided, single submitter. Criteria: Myriad Autosomal Dominant, Autosomal Recessive and X-Linked Classification Criteria (2023). Collection method: clinical testing. Allele origin: unknown.
Comment: NM_001377.2(DYNC2H1):c.2929C>T(Q977*) is expected to be pathogenic in the context of DYNC2H1-related disorders. This variant is predicted to lead to an abnormal or absent protein product due to the creation of a premature termination codon in DYNC2H1, a gene where loss-of-function variants are known to be pathogenic. Please note: this variant was assessed in the context of healthy population screening.